The following is an entry in ClinVar:

ClinVar aggregate classification (germline): Uncertain significance. Review status: criteria provided, multiple submitters, no conflicts (2 of 4 stars). 4 submissions from 4 submitters: Uncertain significance (3). 1 of the submissions does not count toward it. Last evaluated 2025-03-19.

Conditions:
Becker muscular dystrophy (BMD). Also called: MUSCULAR DYSTROPHY, PSEUDOHYPERTROPHIC PROGRESSIVE, BECKER TYPE; Becker Muscular Dystrophy (BMD). Identifiers: Orphanet 98895, MedGen C0917713, MONDO:0010311, OMIM 300376.
Cardiomyopathy (CMYO). Also called: Cardiomyopathies. Identifiers: Orphanet 167848, MedGen C0878544, MONDO:0004994, HP:0001638. Inheritance: Various modes of inheritance.
Duchenne muscular dystrophy (DMD). Also called: MUSCULAR DYSTROPHY, PSEUDOHYPERTROPHIC PROGRESSIVE, DUCHENNE TYPE; Duchenne Muscular Dystrophy (DMD). Identifiers: Orphanet 98896, MedGen C0013264, MONDO:0010679, OMIM 310200.
Dystrophin deficiency.
Cardiovascular phenotype. Identifiers: MedGen CN230736.
Dilated cardiomyopathy 3B (CMD3B). Also called: CMD3B: DMD-Related Dilated Cardiomyopathy; CARDIOMYOPATHY, DILATED, X-LINKED; DMD-Associated Dilated Cardiomyopathy. Identifiers: Orphanet 154, MedGen C3668940, MONDO:0010542, OMIM 302045.

Allele frequency attached by ClinVar (database versions not stated): gnomAD exomes 0.00001; gnomAD 0.00002; TOPMed 0.00003; ESP Exome Variant Server 0.00009.
gnomAD v4.1: 12 of 1,209,570 alleles (0.00099%); highest among the groups gnomAD compares: Non-Finnish European, 0.0012%; no homozygotes.

Submissions (4):

Labcorp Genetics (formerly Invitae), Labcorp
Classification: Uncertain significance for Duchenne muscular dystrophy. Last evaluated: 2025-03-19. Review status: criteria provided, single submitter. Criteria: Invitae Variant Classification Sherloc (09022015). Collection method: clinical testing. Allele origin: germline.
Comment: This sequence change replaces alanine, which is neutral and non-polar, with valine, which is neutral and non-polar, at codon 909 of the DMD protein (p.Ala909Val). The frequency data for this variant in the population databases is considered unreliable, as metrics indicate poor data quality at this position in the gnomAD database. This variant has not been reported in the literature in individuals affected with DMD-related conditions. ClinVar contains an entry for this variant (Variation ID: 455884). Invitae Evidence Modeling of protein sequence and biophysical properties (such as structural, functional, and spatial information, amino acid conservation, physicochemical variation, residue mobility, and thermodynamic stability) indicates that this missense variant is not expected to disrupt DMD protein function with a negative predictive value of 95%. In summary, the available evidence is currently insufficient to determine the role of this variant in disease. Therefore, it has been classified as a Variant of Uncertain Significance.

Ambry Genetics
Classification: Uncertain significance for Cardiovascular phenotype. Last evaluated: 2024-06-14. Review status: criteria provided, single submitter. Criteria: Ambry Variant Classification Scheme 2023. Collection method: clinical testing. Allele origin: germline.
Comment: The p.A909V variant (also known as c.2726C>T), located in coding exon 21 of the DMD gene, results from a C to T substitution at nucleotide position 2726. The alanine at codon 909 is replaced by valine, an amino acid with similar properties. Based on data from gnomAD, the T allele has an overall frequency of 0.001% (2/205351) total alleles studied, with 0 hemizygote(s) observed. The highest observed frequency was 0.002% (2/92705) of European (non-Finnish) alleles. This amino acid position is highly conserved in available vertebrate species. In addition, this alteration is predicted to be tolerated by in silico analysis. Since supporting evidence is limited at this time, the clinical significance of this alteration remains unclear.

Fulgent Genetics
Classification: Uncertain significance for Becker muscular dystrophy; Dilated cardiomyopathy 3B; Duchenne muscular dystrophy. Last evaluated: 2021-12-28. Review status: criteria provided, single submitter. Criteria: ACMG Guidelines, 2015. Collection method: clinical testing. Allele origin: unknown.

Natera, Inc.
Classification: Uncertain significance for Becker muscular dystrophy; Cardiomyopathy; Duchenne muscular dystrophy; Dystrophin deficiency. Last evaluated: 2018-09-21. Review status: no assertion criteria provided. Collection method: clinical testing. Allele origin: germline. Not counted in ClinVar's aggregate classification.

NM_004006.3(DMD):c.2726C>T (p.Ala909Val)

Gene: DMD (dystrophin; minus strand). Cytogenetic location: Xp21.1.
Variant type: single nucleotide variant.
Coding change: c.2726C>T on transcript NM_004006.3 (MANE Select); coding-DNA position 2726, C replaced by T.
Protein change: p.Ala909Val; replaces alanine 909 with valine.
Molecular consequence: missense variant.
Genome position (GRCh38, 1-based): chrX:32,484,996, G>A on the plus strand (C>T on the coding strand, the complement: DMD is on the minus strand). VCF-style: chrX-32484996-G-A. GRCh37 (hg19) VCF-style: chrX-32503113-G-A.
Other names: c.2702C>T, p.Ala901Val (NM_000109.4); c.2714C>T, p.Ala905Val (NM_004009.3); c.2357C>T, p.Ala786Val (NM_004010.3); short protein forms A909V, A786V, A905V, A901V.
Identifiers: ClinVar variation 455884 (VCV000455884.14), dbSNP rs370014420, ClinGen allele CA328015949.